The following is an entry in ClinVar:

NM_000455.5(STK11):c.37A>G (p.Thr13Ala)

Gene: STK11 (serine/threonine kinase 11; plus strand). Cytogenetic location: 19p13.3.
Variant type: single nucleotide variant.
Coding change: c.37A>G on transcript NM_000455.5 (MANE Select); coding-DNA position 37, A replaced by G.
Protein change: p.Thr13Ala; replaces threonine 13 with alanine.
Molecular consequence: missense variant.
Genome position (GRCh38, 1-based): chr19:1,206,950, A>G. VCF-style: chr19-1206950-A-G. GRCh37 (hg19) VCF-style: chr19-1206949-A-G.
Other names: short protein forms T13A.
Identifiers: ClinVar variation 1345141 (VCV001345141.6), dbSNP rs2145404536, ClinGen allele CA402943161.

ClinVar aggregate classification (germline): Uncertain significance (1 of 4 stars; one submission).

Conditions:
Peutz-Jeghers syndrome (PJS). Also called: POLYPOSIS, HAMARTOMATOUS INTESTINAL; POLYPS-AND-SPOTS SYNDROME; Peutz-Jeghers polyposis; Periorificial lentiginosis syndrome. Identifiers: Orphanet 2869, MedGen C0031269, MeSH D010580, MONDO:0008280, OMIM 175200.

Submission:

Labcorp Genetics (formerly Invitae), Labcorp
Classification: Uncertain significance for Peutz-Jeghers syndrome. Last evaluated: 2022-07-19. Review status: criteria provided, single submitter. Criteria: Invitae Variant Classification Sherloc (09022015). Collection method: clinical testing. Allele origin: germline.
Comment: ClinVar contains an entry for this variant (Variation ID: 1345141). This variant has not been reported in the literature in individuals affected with STK11-related conditions. This variant is not present in population databases (gnomAD no frequency). This sequence change replaces threonine, which is neutral and polar, with alanine, which is neutral and non-polar, at codon 13 of the STK11 protein (p.Thr13Ala). Advanced modeling of protein sequence and biophysical properties (such as structural, functional, and spatial information, amino acid conservation, physicochemical variation, residue mobility, and thermodynamic stability) performed at Invitae indicates that this missense variant is not expected to disrupt STK11 protein function. In summary, the available evidence is currently insufficient to determine the role of this variant in disease. Therefore, it has been classified as a Variant of Uncertain Significance.